The following is an entry in ClinVar:

NM_005236.3(ERCC4):c.32C>T (p.Ala11Val)

Genes: ERCC4 (ERCC excision repair 4, endonuclease catalytic subunit; plus strand), LOC130058543 (ATAC-STARR-seq lymphoblastoid active region 10486; plus strand). Cytogenetic location: 16p13.12.
Variant type: single nucleotide variant.
Coding change: c.32C>T on transcript NM_005236.3 (MANE Select); coding-DNA position 32, C replaced by T.
Protein change: p.Ala11Val; replaces alanine 11 with valine.
Molecular consequence: missense variant.
Genome position (GRCh38, 1-based): chr16:13,920,197, C>T. VCF-style: chr16-13920197-C-T. GRCh37 (hg19) VCF-style: chr16-14014054-C-T.
Other names: short protein forms A11V.
Identifiers: ClinVar variation 948829 (VCV000948829.10), dbSNP rs753596005, ClinGen allele CA7910066.

ClinVar aggregate classification (germline): Uncertain significance (1 of 4 stars; one submission).

Conditions:
Fanconi anemia complementation group Q. Identifiers: Orphanet 84, MedGen C3808988, MONDO:0014108, OMIM 615272.
Xeroderma pigmentosum, group F (XPF). Also called: XERODERMA PIGMENTOSUM, COMPLEMENTATION GROUP F; ERCC4-Related Xeroderma Pigmentosum; XERODERMA PIGMENTOSUM VI; XP, GROUP F; XERODERMA PIGMENTOSUM, TYPE F; Xeroderma pigmentosum, type 6. Identifiers: MedGen C0268140, MONDO:0010215, OMIM 278760.
Cockayne syndrome. Identifiers: Orphanet 191, MedGen C0009207, MONDO:0016006.

Allele frequency attached by ClinVar (database versions not stated): gnomAD exomes below 0.00001 and 0.00001; ExAC 0.00001.
gnomAD v4.1: 2 of 1,606,948 alleles (0.00012%); highest among the groups gnomAD compares: East Asian, 0.0022%; no homozygotes.

Submission:

Labcorp Genetics (formerly Invitae), Labcorp
Classification: Uncertain significance for Fanconi anemia complementation group Q; Xeroderma pigmentosum, group F; Cockayne syndrome. Last evaluated: 2019-06-04. Review status: criteria provided, single submitter. Criteria: Invitae Variant Classification Sherloc (09022015). Collection method: clinical testing. Allele origin: germline.
Comment: Algorithms developed to predict the effect of missense changes on protein structure and function (SIFT, PolyPhen-2, Align-GVGD) all suggest that this variant is likely to be tolerated, but these predictions have not been confirmed by published functional studies and their clinical significance is uncertain. In summary, the available evidence is currently insufficient to determine the role of this variant in disease. Therefore, it has been classified as a Variant of Uncertain Significance. This variant has not been reported in the literature in individuals with ERCC4-related conditions. This variant is present in population databases (rs753596005, ExAC 0.01%). This sequence change replaces alanine with valine at codon 11 of the ERCC4 protein (p.Ala11Val). The alanine residue is weakly conserved and there is a small physicochemical difference between alanine and valine.